The following is an entry in ClinVar:

NM_004484.4(GPC3):c.381T>C (p.Asn127=)

Gene: GPC3 (glypican 3; minus strand). Cytogenetic location: Xq26.2.
Variant type: single nucleotide variant.
Coding change: c.381T>C on transcript NM_004484.4 (MANE Select); coding-DNA position 381, T replaced by C.
Protein change: p.Asn127=; no amino-acid change (asparagine 127 retained).
Molecular consequence: synonymous variant.
Genome position (GRCh38, 1-based): chrX:133,754,133, A>G on the plus strand (T>C on the coding strand, the complement: GPC3 is on the minus strand). VCF-style: chrX-133754133-A-G. GRCh37 (hg19) VCF-style: chrX-132888160-A-G.
Other names: c.381T>C, p.Asn127= (NM_001164617.2); c.333T>C, p.Asn111= (NM_001164618.2); c.219T>C, p.Asn73= (NM_001164619.2).
Identifiers: ClinVar variation 4083924 (VCV004083924.8).
Genomic context (GRCh38, chrX:133,754,133, plus strand): 5'-TTCACCCACAAACTCAAAAGCTTGTGGAGTCAGGCTTGGGTAGTTGTTCTTGAACATGGC[A>G]TTGGTGTAGTTCTTGGCATGGCGAACAACAATTTCAAAGGCCTCTGTAAAAAAAAAAAAA-3'
Protein context (NP_004475.1, residues 117-137): IVVRHAKNYT[Asn127=]AMFKNNYPSL

ClinVar aggregate classification (germline): Likely benign (1 of 4 stars; one submission).

Submission:

CeGaT Center for Human Genetics Tuebingen
Classification: Likely benign. Last evaluated: 2025-08-01. Review status: criteria provided, single submitter. Criteria: CeGaT Center For Human Genetics Tuebingen Variant Classification Criteria Version 2. Collection method: clinical testing. Allele origin: germline. Affected: yes. Observed: 1 variant allele.
Comment: GPC3: PM2:Supporting, BP4, BP7